The following is an entry in ClinVar:

NM_020549.5(CHAT):c.1372C>T (p.Leu458Phe)

Gene: CHAT (choline O-acetyltransferase; plus strand). Cytogenetic location: 10q11.23.
Variant type: single nucleotide variant.
Coding change: c.1372C>T on transcript NM_020549.5 (MANE Select); coding-DNA position 1372, C replaced by T.
Protein change: p.Leu458Phe; replaces leucine 458 with phenylalanine.
Molecular consequence: missense variant.
Genome position (GRCh38, 1-based): chr10:49,648,597, C>T. VCF-style: chr10-49648597-C-T. GRCh37 (hg19) VCF-style: chr10-50856643-C-T.
Other names: p.Leu458Phe; c.1018C>T, p.Leu340Phe (NM_001142929.2, NM_001142934.2, NM_020984.4 and 2 more transcripts); c.1126C>T, p.Leu376Phe (NM_001142933.2); short protein forms L340F, L458F, L376F.
Identifiers: ClinVar variation 199158 (VCV000199158.44), dbSNP rs76014951, ClinGen allele CA203782.

ClinVar aggregate classification (germline): Benign/Likely benign. Review status: criteria provided, multiple submitters, no conflicts (2 of 4 stars). 8 submissions from 8 submitters: Benign (3); Likely benign (3). 2 of the submissions do not count toward it. Last evaluated 2026-03-01.

Conditions:
Familial infantile myasthenia (CMS6). Also called: MYASTHENIC SYNDROME, CONGENITAL, 6, PRESYNAPTIC; MYASTHENIC SYNDROME, PRESYNAPTIC, CONGENITAL, ASSOCIATED WITH EPISODIC APNEA; Congenital myasthenic syndrome type 6. Identifiers: Orphanet 590, MedGen C0393929, MONDO:0009689, OMIM 254210.

Allele frequency attached by ClinVar (database versions not stated): 1000 Genomes Project 0.00140; 1000 Genomes Project 30x 0.00187; TOPMed 0.00271; ESP Exome Variant Server 0.00308; ExAC 0.00368; gnomAD 0.00373 and 0.00391; gnomAD exomes 0.00388 and 0.00527.

Submissions (8):

CeGaT Center for Human Genetics Tuebingen
Classification: Likely benign. Last evaluated: 2026-03-01. Review status: criteria provided, single submitter. Criteria: CeGaT Center For Human Genetics Tuebingen Variant Classification Criteria Version 2. Collection method: clinical testing. Allele origin: germline. Affected: yes. Observed: 4 variant alleles.
Comment: CHAT: BS2

Labcorp Genetics (formerly Invitae), Labcorp
Classification: Benign for Familial infantile myasthenia. Last evaluated: 2026-02-02. Review status: criteria provided, single submitter. Criteria: Invitae Variant Classification Sherloc (09022015). Collection method: clinical testing. Allele origin: germline.

Blueprint Genetics
Classification: Likely benign. Last evaluated: 2024-11-06. Review status: criteria provided, single submitter. Criteria: ACMG Guidelines, 2015. Collection method: clinical testing. Allele origin: germline.

Mayo Clinic Laboratories, Mayo Clinic
Classification: Benign. Last evaluated: 2023-10-02. Review status: criteria provided, single submitter. Criteria: ACMG Guidelines, 2015. Collection method: clinical testing. Allele origin: germline. Observed: 5 variant alleles.
Comment: BS1, BS2, PP3

Eurofins Ntd Llc (ga)
Classification: Benign. Last evaluated: 2014-11-23. Review status: criteria provided, single submitter. Criteria: EGL Classification Definitions 2015. Collection method: clinical testing. Allele origin: germline. Observed: 1 variant allele, 1 heterozygote.

PreventionGenetics, part of Exact Sciences
Classification: Likely benign. Review status: criteria provided, single submitter. Criteria: ACMG Guidelines, 2015. Collection method: clinical testing. Allele origin: germline.

Genome Diagnostics Laboratory, University Medical Center Utrecht
Classification: Likely benign. Review status: no assertion criteria provided. Collection method: clinical testing. Allele origin: germline. Affected: yes. Study: VKGL Data-share Consensus. Not counted in ClinVar's aggregate classification.

Joint Genome Diagnostic Labs from Nijmegen and Maastricht, Radboudumc and MUMC+
Classification: Likely benign. Review status: no assertion criteria provided. Collection method: clinical testing. Allele origin: germline. Affected: yes. Study: VKGL Data-share Consensus. Not counted in ClinVar's aggregate classification.